The following is an entry in ClinVar:

NM_001253697.2(ERBIN):c.2198A>G (p.Tyr733Cys)

Gene: ERBIN (erbb2 interacting protein; plus strand). Cytogenetic location: 5q12.3.
Variant type: single nucleotide variant.
Coding change: c.2198A>G on transcript NM_001253697.2 (MANE Select); coding-DNA position 2198, A replaced by G.
Protein change: p.Tyr733Cys; replaces tyrosine 733 with cysteine.
Molecular consequence: missense variant.
Genome position (GRCh38, 1-based): chr5:66,053,516, A>G. VCF-style: chr5-66053516-A-G. GRCh37 (hg19) VCF-style: chr5-65349344-A-G.
Other names: c.2198A>G, p.Tyr733Cys (NM_001006600.3, NM_001253698.2, NM_001253699.2 and 1 more transcripts); c.2186A>G, p.Tyr729Cys (NM_001253701.2); short protein forms Y729C, Y733C.
Identifiers: ClinVar variation 2065549 (VCV002065549.4), dbSNP rs753233059, ClinGen allele CA3286446.

ClinVar aggregate classification (germline): Uncertain significance (1 of 4 stars; one submission).

Allele frequency attached by ClinVar (database versions not stated): ExAC 0.00002; gnomAD exomes below 0.00001.

Submission:

Labcorp Genetics (formerly Invitae), Labcorp
Classification: Uncertain significance. Last evaluated: 2025-03-07. Review status: criteria provided, single submitter. Criteria: Invitae Variant Classification Sherloc (09022015). Collection method: clinical testing. Allele origin: germline.
Comment: This sequence change replaces tyrosine, which is neutral and polar, with cysteine, which is neutral and slightly polar, at codon 733 of the ERBIN protein (p.Tyr733Cys). This variant is present in population databases (rs753233059, gnomAD 0.007%). This variant has not been reported in the literature in individuals affected with ERBIN-related conditions. ClinVar contains an entry for this variant (Variation ID: 2065549). An algorithm developed to predict the effect of missense changes on protein structure and function (PolyPhen-2) suggests that this variant is likely to be disruptive. In summary, the available evidence is currently insufficient to determine the role of this variant in disease. Therefore, it has been classified as a Variant of Uncertain Significance.